The following is an entry in ClinVar:

ClinVar aggregate classification (germline): Uncertain significance. Review status: criteria provided, multiple submitters, no conflicts (2 of 4 stars). 2 submissions from 2 submitters: Uncertain significance (2). Last evaluated 2026-01-21.

Conditions:
GPBAR1-related disorder. Also called: GPBAR1-related condition.

Submissions (2):

PreventionGenetics, part of Exact Sciences
Classification: Uncertain significance for GPBAR1-related condition. Last evaluated: 2026-01-21. Review status: criteria provided, single submitter. Criteria: ACMG Guidelines, 2015. Collection method: clinical testing. Allele origin: germline.
Comment: The GPBAR1 c.736C>T variant is predicted to result in the amino acid substitution p.Leu246Phe. To our knowledge, this variant has not been reported in the literature. This variant is reported in 0.0030% of alleles in individuals of Latino descent in gnomAD. At this time, the clinical significance of this variant is uncertain due to the absence of conclusive functional and genetic evidence.

Ambry Genetics
Classification: Uncertain significance. Last evaluated: 2024-06-18. Review status: criteria provided, single submitter. Criteria: Ambry Variant Classification Scheme 2023. Collection method: clinical testing. Allele origin: germline.

NM_170699.3(GPBAR1):c.736C>T (p.Leu246Phe)

Gene: GPBAR1 (G protein-coupled bile acid receptor 1; plus strand). Cytogenetic location: 2q35.
Variant type: single nucleotide variant.
Coding change: c.736C>T on transcript NM_170699.3 (MANE Select); coding-DNA position 736, C replaced by T.
Protein change: p.Leu246Phe; replaces leucine 246 with phenylalanine.
Molecular consequence: missense variant.
Genome position (GRCh38, 1-based): chr2:218,263,460, C>T. VCF-style: chr2-218263460-C-T. GRCh37 (hg19) VCF-style: chr2-219128183-C-T.
Other names: c.736C>T, p.Leu246Phe (NM_001077191.2, NM_001077194.2, NM_001321950.2); c.736C>T (NM_001321950.1); short protein forms L246F.
Identifiers: ClinVar variation 3282099 (VCV003282099.2).